The following is an entry in ClinVar:

NM_000719.7(CACNA1C):c.5081A>T (p.Asp1694Val)

Genes: CACNA1C (calcium voltage-gated channel subunit alpha1 C; plus strand), CACNA1C-AS1 (CACNA1C antisense RNA 1; minus strand). Cytogenetic location: 12p13.33.
Variant type: single nucleotide variant.
Coding change: c.5081A>T on transcript NM_000719.7 (MANE Select); coding-DNA position 5081, A replaced by T.
Protein change: p.Asp1694Val; replaces aspartic acid 1694 with valine.
Molecular consequence: missense variant. On other transcripts: non-coding transcript variant (1).
Genome position (GRCh38, 1-based): chr12:2,677,857, A>T. VCF-style: chr12-2677857-A-T. GRCh37 (hg19) VCF-style: chr12-2787023-A-T.
Other names: c.5225A>T, p.Asp1742Val (NM_001129827.2, NM_199460.4); c.5204A>T, p.Asp1735Val (NM_001129829.2); c.5081A>T, p.Asp1694Val (NM_001129830.3, NM_001129840.2, NM_001129841.2 and 4 more transcripts); c.5165A>T, p.Asp1722Val (NM_001129831.2); c.5141A>T, p.Asp1714Val (NM_001129832.2); c.5138A>T, p.Asp1713Val (NM_001129833.2, NM_001129834.2, NM_001129835.2); c.5132A>T, p.Asp1711Val (NM_001129836.2); c.5105A>T, p.Asp1702Val (NM_001129837.2, NM_001129838.2); and 3 more; short protein forms D1683V, D1691V, D1702V, D1713V, D1722V, D1735V, D1694V, D1700V.
Identifiers: ClinVar variation 4979665 (VCV004979665.1).

ClinVar aggregate classification (germline): Uncertain significance (1 of 4 stars; one submission).

Conditions:
CACNA1C-related disorder. Also called: CACNA1C-related condition; CACNA1C-related disorders. Identifiers: MedGen CN381092, MONDO:0700321.

Submission:

PreventionGenetics, part of Exact Sciences
Classification: Uncertain significance for CACNA1C-related condition. Last evaluated: 2026-07-08. Review status: criteria provided, single submitter. Criteria: ACMG Guidelines, 2015. Collection method: clinical testing. Allele origin: germline.
Comment: The CACNA1C c.5081A>T variant is predicted to result in the amino acid substitution p.Asp1694Val. To our knowledge, this variant has not been reported in the literature or in a large population database (gnomAD), indicating this variant is rare. At this time, the clinical significance of this variant is uncertain due to the absence of conclusive functional and genetic evidence.